The following is an entry in ClinVar:

ClinVar aggregate classification (germline): Pathogenic. Review status: reviewed by expert panel (3 of 4 stars). 8 submissions from 8 submitters: Pathogenic (1). 7 of the submissions do not count toward it. Last evaluated 2017-03-17.

Conditions:
CFTR-related disorder (CFTR-RD). Also called: CFTR-related disorders; CFTR-related condition. Identifiers: MedGen C5924204, MONDO:7770004.
Cystic fibrosis (CF). Also called: MUCOVISCIDOSIS. Identifiers: Orphanet 586, MedGen C0010674, MONDO:0009061, OMIM 219700. Disease mechanism: loss of function.

Allele frequency attached by ClinVar (database versions not stated): ExAC 0.00001; gnomAD exomes below 0.00001; TOPMed 0.00003; ESP Exome Variant Server 0.00008.
gnomAD v4.1: 2 of 1,613,258 alleles (0.00012%); highest among the groups gnomAD compares: Non-Finnish European, 0.00017%; no homozygotes.

Submissions (8):

CFTR2
Classification: Pathogenic for Cystic fibrosis. Last evaluated: 2017-03-17. Review status: reviewed by expert panel. Criteria: Sosnay PR et al. (Nat Genet 2013). Collection method: research. Allele origin: germline. Affected: yes. Study: CFTR2.

Labcorp Genetics (formerly Invitae), Labcorp
Classification: Pathogenic for Cystic fibrosis. Last evaluated: 2025-12-11. Review status: criteria provided, single submitter. Criteria: Invitae Variant Classification Sherloc (09022015). Collection method: clinical testing. Allele origin: germline. Not counted in ClinVar's aggregate classification.
Comment: This sequence change affects a donor splice site in intron 23 of the CFTR gene. It is expected to disrupt RNA splicing. Variants that disrupt the donor or acceptor splice site typically lead to a loss of protein function (PMID: 16199547), and loss-of-function variants in CFTR are known to be pathogenic (PMID: 1695717, 7691345, 9725922). This variant is present in population databases (rs146795445, gnomAD 0.0009%). Disruption of this splice site has been observed in individuals with cystic fibrosis (PMID: 19318346, 26348465). ClinVar contains an entry for this variant (Variation ID: 53828). Algorithms developed to predict the effect of sequence changes on RNA splicing suggest that this variant may disrupt the consensus splice site. For these reasons, this variant has been classified as Pathogenic.

Ambry Genetics
Classification: Pathogenic for Cystic fibrosis. Last evaluated: 2025-10-03. Review status: criteria provided, single submitter. Criteria: Ambry Variant Classification Scheme 2023. Collection method: clinical testing. Allele origin: germline. Not counted in ClinVar's aggregate classification.
Comment: The c.3873+2T>C intronic pathogenic mutation (also known as 4005+2T>C) results from a T to C substitution two nucleotides after coding exon 23 in the CFTR gene. This variant has been identified in the homozygous state and/or in conjunction with other CFTR variant(s) in individual(s) with features consistent with cystic fibrosis (Lundman E et al. J. Cyst. Fibros., 2016 May;15:318-24). This alteration is one of the most commonly reported mutations in Norwegian individuals with cystic fibrosis, accounting for 3.8% of alleles in that population (Munthe-Kaas MC et al. Respir Med, 2006 Dec;100:2121-8). This nucleotide position is highly conserved in available vertebrate species. In silico splice site analysis predicts that this alteration will weaken the native splice donor site. Alterations that disrupt the canonical splice site are expected to cause aberrant splicing, resulting in an abnormal protein or a transcript that is subject to nonsense-mediated mRNA decay. As such, this alteration is classified as pathogenic.

Natera, Inc.
Classification: Pathogenic for CFTR-related disorders. Last evaluated: 2025-09-12. Review status: criteria provided, single submitter. Criteria: Natera Variant Classification Schema (03/2026). Collection method: clinical testing. Allele origin: germline. Not counted in ClinVar's aggregate classification.
Comment: The c.3873+2T>C variant in CFTR is a canonical splice donor site variant predicted to affect pre-mRNA splicing, which may result in an abnormal transcript and altered protein product. This variant is expected to result in nonsense mediated decay, truncation, or a dysfunctional protein product. This variant is rare in the general population with a frequency below the threshold expected for the associated phenotype(s). This variant has been observed in one or more individuals affected with the associated recessive disease, as either homozygous or compound heterozygous with a second variant (PMID: 32084388). Given the available evidence, this variant is classified as Pathogenic.

Institute of Human Genetics, University of Leipzig Medical Center
Classification: Likely pathogenic for Cystic fibrosis. Last evaluated: 2022-09-05. Review status: criteria provided, single submitter. Criteria: ACMG Guidelines, 2015. Collection method: curation. Allele origin: unknown. Affected: yes. Observed: 1 variant allele. Not counted in ClinVar's aggregate classification.
Comment: The variant was classified in the context of a project re-classifying variants in the German Cystic Fibrosis Registry (Muko.e.V.). Criteria applied: PVS1_STR, PM2_SUP, PM3_STR

Mayo Clinic Laboratories, Mayo Clinic
Classification: Pathogenic. Last evaluated: 2020-01-27. Review status: criteria provided, single submitter. Criteria: ACMG Guidelines, 2015. Collection method: clinical testing. Allele origin: germline. Observed: 1 variant allele. Not counted in ClinVar's aggregate classification.
Comment: PVS1, PM2, PP3, PP4, PP5

Women's Health and Genetics/Laboratory Corporation of America, LabCorp
Classification: Pathogenic for Cystic fibrosis. Last evaluated: 2016-11-09. Review status: criteria provided, single submitter. Criteria: LabCorp Variant Classification Summary - May 2015. Collection method: clinical testing. Allele origin: germline. Not counted in ClinVar's aggregate classification.
Comment: Variant summary: The CFTR c.3873+2T>C variant involves the alteration of a conserved intronic nucleotide. One in silico tool predicts a damaging outcome for this variant. 5/5 splice prediction tools predict the loss of a canonical splice donor site. This variant was found in 1/118992 control chromosomes at a frequency of 0.0000084, which does not exceed the estimated maximal expected allele frequency of a pathogenic CFTR variant (0.0129603). The variant has been reported in numerous affected individuals in the literature, both pancreatic sufficient and insufficient patients. Taken together, this variant is classified as pathogenic.

Counsyl
Classification: Pathogenic for Cystic fibrosis. Last evaluated: 2017-07-14. Review status: no assertion criteria provided. Collection method: clinical testing. Allele origin: unknown. Not counted in ClinVar's aggregate classification.

Literature cited by the submitters: PubMed 16199547 (cited by Labcorp Genetics (formerly Invitae), Labcorp); PubMed 1695717 (cited by Labcorp Genetics (formerly Invitae), Labcorp); PubMed 7691345 (cited by Labcorp Genetics (formerly Invitae), Labcorp); PubMed 9725922 (cited by Labcorp Genetics (formerly Invitae), Labcorp); PubMed 19318346 (cited by Labcorp Genetics (formerly Invitae), Labcorp and Women's Health and Genetics/Laboratory Corporation of America, LabCorp); PubMed 26348465 (cited by Labcorp Genetics (formerly Invitae), Labcorp and Women's Health and Genetics/Laboratory Corporation of America, LabCorp); PubMed 16678395 (cited by Ambry Genetics and Mayo Clinic Laboratories, Mayo Clinic); PubMed 26795017 (cited by Ambry Genetics); PubMed 32084388 (cited by Natera, Inc.); PubMed 26708955 (cited by Mayo Clinic Laboratories, Mayo Clinic and Women's Health and Genetics/Laboratory Corporation of America, LabCorp).

NM_000492.4(CFTR):c.3873+2T>C

Genes: CFTR-AS2 (CFTR antisense RNA 2; minus strand), CFTR (CF transmembrane conductance regulator; plus strand). Cytogenetic location: 7q31.2.
Variant type: single nucleotide variant.
Coding change: c.3873+2T>C on transcript NM_000492.4 (MANE Select); the canonical splice donor site of the intron after coding-DNA position 3873, T replaced by C.
Molecular consequence: splice donor variant.
Genome position (GRCh38, 1-based): chr7:117,642,595, T>C. VCF-style: chr7-117642595-T-C. GRCh37 (hg19) VCF-style: chr7-117282649-T-C.
Other names: 4005+2T->C.
Identifiers: ClinVar variation 53828 (VCV000053828.21), dbSNP rs146795445, ClinGen allele CA327317.